The following is an entry in ClinVar:

ClinVar aggregate classification (germline): Uncertain significance (1 of 4 stars; one submission).

Submission:

GeneDx
Classification: Uncertain significance. Last evaluated: 2025-06-23. Review status: criteria provided, single submitter. Criteria: GeneDx Variant Classification Process June 2021. Collection method: clinical testing. Allele origin: germline. Affected: yes.
Comment: Not observed at significant frequency in large population cohorts (gnomAD); In silico analysis supports that this missense variant has a deleterious effect on protein structure/function; Has not been previously published as pathogenic or benign to our knowledge

NM_001080517.3(SETD5):c.1202A>G (p.Asp401Gly)

Gene: SETD5 (SET domain containing 5; plus strand). Cytogenetic location: 3p25.3.
Variant type: single nucleotide variant.
Coding change: c.1202A>G on transcript NM_001080517.3 (MANE Select); coding-DNA position 1202, A replaced by G.
Protein change: p.Asp401Gly; replaces aspartic acid 401 with glycine.
Molecular consequence: missense variant.
Genome position (GRCh38, 1-based): chr3:9,445,062, A>G. VCF-style: chr3-9445062-A-G. GRCh37 (hg19) VCF-style: chr3-9486746-A-G.
Other names: c.908A>G, p.Asp303Gly (NM_001292043.2, NM_001349451.2); c.1298A>G, p.Asp433Gly (NM_001437633.1); c.1259A>G, p.Asp420Gly (NM_001437635.1); c.1202A>G, p.Asp401Gly (NM_001437643.1); c.1241A>G, p.Asp414Gly (NM_001437701.1); short protein forms D303G, D401G, D414G, D420G, D433G.
Identifiers: ClinVar variation 4540332 (VCV004540332.1).
Genomic context (GRCh38, chr3:9,445,062, plus strand): 5'-TTTCAAGGGTACTGAGACAGGCATTTTGGTTGTTTCTTTGGAGCAGTAATTATAAAGTGG[A>G]CTGTGCCTGTCACAAGGGAAACCGGAATTGTCCTATACAAAAAAGGAATCCTAATGCTAC-3'
Protein context (NP_001073986.1, residues 391-411): YEYSNCNYKV[Asp401Gly]CACHKGNRNC